The following is an entry in ClinVar:

ClinVar aggregate classification (germline): Uncertain significance (1 of 4 stars; one submission).

Conditions:
Neuropathy, hereditary sensory and autonomic, type 2A (HSAN2A). Also called: WNK1-Related HSAN2 (HSAN2A); MORVAN DISEASE; HSAN IIA; NEUROPATHY, CONGENITAL SENSORY; NEUROPATHY, HEREDITARY SENSORY RADICULAR, AUTOSOMAL RECESSIVE; NEUROPATHY, HEREDITARY SENSORY, TYPE IIA. Identifiers: Orphanet 970, MedGen C2752089, MONDO:0024309, OMIM 201300.
Generalized epilepsy with febrile seizures plus, type 7 (GEFSP7). Also called: GEFS+, TYPE 7. Identifiers: Orphanet 36387, MedGen C2751778, MONDO:0013470, OMIM 613863.

Submission:

Labcorp Genetics (formerly Invitae), Labcorp
Classification: Uncertain significance for Neuropathy, hereditary sensory and autonomic, type 2A; Generalized epilepsy with febrile seizures plus, type 7. Last evaluated: 2024-02-17. Review status: criteria provided, single submitter. Criteria: Invitae Variant Classification Sherloc (09022015). Collection method: clinical testing. Allele origin: germline.
Comment: This sequence change replaces alanine, which is neutral and non-polar, with glycine, which is neutral and non-polar, at codon 55 of the SCN9A protein (p.Ala55Gly). This variant is not present in population databases (gnomAD no frequency). This variant has not been reported in the literature in individuals affected with SCN9A-related conditions. ClinVar contains an entry for this variant (Variation ID: 2099865). Advanced modeling of protein sequence and biophysical properties (such as structural, functional, and spatial information, amino acid conservation, physicochemical variation, residue mobility, and thermodynamic stability) performed at Invitae indicates that this missense variant is not expected to disrupt SCN9A protein function with a negative predictive value of 80%. In summary, the available evidence is currently insufficient to determine the role of this variant in disease. Therefore, it has been classified as a Variant of Uncertain Significance.

NM_001365536.1(SCN9A):c.164C>G (p.Ala55Gly)

Gene: SCN9A (sodium voltage-gated channel alpha subunit 9; minus strand). Cytogenetic location: 2q24.3.
Variant type: single nucleotide variant.
Coding change: c.164C>G on transcript NM_001365536.1 (MANE Select); coding-DNA position 164, C replaced by G.
Protein change: p.Ala55Gly; replaces alanine 55 with glycine.
Molecular consequence: missense variant.
Genome position (GRCh38, 1-based): chr2:166,311,593, G>C on the plus strand (C>G on the coding strand, the complement: SCN9A is on the minus strand). VCF-style: chr2-166311593-G-C. GRCh37 (hg19) VCF-style: chr2-167168103-G-C.
Other names: c.164C>G, p.Ala55Gly (NM_002977.4); short protein forms A55G.
Identifiers: ClinVar variation 2099865 (VCV002099865.4), dbSNP rs1222851635, ClinGen allele CA349095962.
Genomic context (GRCh38, chr2:166,311,593, plus strand): 5'-AGGGGCTCTGACACCATGCCGGGAGGAATGTCCCCATAGATGAAGGGCAGCTGTTTGCCA[G>C]CTTCCAAGTCACTGCTTGGCTTTGGGGCTTCTTCATCATCATCTTTCTTTTCTTCTTTGG-3'
Protein context (NP_001352465.1, residues 45-65): EAPKPSSDLE[Ala55Gly]GKQLPFIYGD